The following is an entry in ClinVar:

NM_015295.3(SMCHD1):c.3260T>C (p.Leu1087Ser)

Gene: SMCHD1 (structural maintenance of chromosomes flexible hinge domain containing 1; plus strand). Cytogenetic location: 18p11.32.
Variant type: single nucleotide variant.
Coding change: c.3260T>C on transcript NM_015295.3 (MANE Select); coding-DNA position 3260, T replaced by C.
Protein change: p.Leu1087Ser; replaces leucine 1087 with serine.
Molecular consequence: missense variant.
Genome position (GRCh38, 1-based): chr18:2,732,476, T>C. VCF-style: chr18-2732476-T-C. GRCh37 (hg19) VCF-style: chr18-2732474-T-C.
Other names: short protein forms L1087S.
Identifiers: ClinVar variation 532809 (VCV000532809.9), dbSNP rs930009782, ClinGen allele CA295469696.
Genomic context (GRCh38, chr18:2,732,476, plus strand): 5'-ATAATCTTATTTTTCAAATGTATGATGAAGGAGAAAGAGAAATCAATATAACATCAGCTT[T>C]AGCAGAAAAAATTAAAGTAAGTATCTCTAACAGATTGGTTATTTGTAAGAACTTTTTAAA-3'
Protein context (NP_056110.2, residues 1077-1097): GEREINITSA[Leu1087Ser]AEKIKVNWTP

ClinVar aggregate classification (germline): Uncertain significance. Review status: criteria provided, multiple submitters, no conflicts (2 of 4 stars). 2 submissions from 2 submitters: Uncertain significance (2). Last evaluated 2026-01-21.

Conditions:
Facioscapulohumeral muscular dystrophy 2 (FSHD2). Also called: FACIOSCAPULOHUMERAL MUSCULAR DYSTROPHY 2, DIGENIC; FSHD2, DIGENIC; MUSCULAR DYSTROPHY, FACIOSCAPULOHUMERAL, TYPE 1B. Identifiers: Orphanet 269, MedGen C1834671, MONDO:0008031, OMIM 158901.

Allele frequency attached by ClinVar (database versions not stated): gnomAD exomes 0.00001; TOPMed 0.00001; gnomAD 0.00001.
gnomAD v4.1: 14 of 1,598,772 alleles (0.00088%); highest among the groups gnomAD compares: Non-Finnish European, 0.0012%; no homozygotes.

Submissions (2):

Labcorp Genetics (formerly Invitae), Labcorp
Classification: Uncertain significance for Facioscapulohumeral muscular dystrophy 2. Last evaluated: 2026-01-21. Review status: criteria provided, single submitter. Criteria: Invitae Variant Classification Sherloc (09022015). Collection method: clinical testing. Allele origin: germline.
Comment: This sequence change replaces leucine, which is neutral and non-polar, with serine, which is neutral and polar, at codon 1087 of the SMCHD1 protein (p.Leu1087Ser). This variant is present in population databases (no rsID available, gnomAD 0.002%). This variant has not been reported in the literature in individuals affected with SMCHD1-related conditions. ClinVar contains an entry for this variant (Variation ID: 532809). Invitae Evidence Modeling of protein sequence and biophysical properties (such as structural, functional, and spatial information, amino acid conservation, physicochemical variation, residue mobility, and thermodynamic stability) has been performed for this missense variant. However, the output from this modeling did not meet the statistical confidence thresholds required to predict the impact of this variant on SMCHD1 protein function. In summary, the available evidence is currently insufficient to determine the role of this variant in disease. Therefore, it has been classified as a Variant of Uncertain Significance.

Athena Diagnostics
Classification: Uncertain significance. Last evaluated: 2024-04-17. Review status: criteria provided, single submitter. Criteria: Athena Diagnostics Criteria. Collection method: clinical testing. Allele origin: unknown.
Comment: Available data are insufficient to determine the clinical significance of the variant at this time. The frequency of this variant in the general population is uninformative in assessment of its pathogenicity. Computational tools predict that this variant is not damaging.